The following is an entry in ClinVar:

ClinVar aggregate classification (germline): Likely benign (0 of 4 stars; one submission).

Conditions:
KIRREL1-related disorder. Also called: KIRREL1-related condition.

Allele frequency attached by ClinVar (database versions not stated): TOPMed 0.00001; gnomAD exomes 0.00002.
gnomAD v4.1: 26 of 1,613,864 alleles (0.0016%); highest among the groups gnomAD compares: Admixed American, 0.005%; no homozygotes.

Submission:

PreventionGenetics, part of Exact Sciences
Classification: Likely benign for KIRREL1-related condition. Last evaluated: 2022-12-19. Review status: no assertion criteria provided. Collection method: clinical testing. Allele origin: germline.
Comment: This variant is classified as likely benign based on ACMG/AMP sequence variant interpretation guidelines (Richards et al. 2015 PMID: 25741868, with internal and published modifications).

NM_018240.7(KIRREL1):c.2004T>C (p.Pro668=)

Gene: KIRREL1 (kirre like nephrin family adhesion molecule 1; plus strand). Cytogenetic location: 1q23.1.
Variant type: single nucleotide variant.
Coding change: c.2004T>C on transcript NM_018240.7 (MANE Select); coding-DNA position 2004, T replaced by C.
Protein change: p.Pro668=; no amino-acid change (proline 668 retained).
Molecular consequence: synonymous variant.
Genome position (GRCh38, 1-based): chr1:158,094,850, T>C. VCF-style: chr1-158094850-T-C. GRCh37 (hg19) VCF-style: chr1-158064640-T-C.
Other names: c.1704T>C, p.Pro568= (NM_001286349.2).
Identifiers: ClinVar variation 3032827 (VCV003032827.2), dbSNP rs1310882131, ClinGen allele CA421278094.